The following is an entry in ClinVar:

ClinVar aggregate classification (germline): Uncertain significance (1 of 4 stars; one submission).

Conditions:
Pheochromocytoma. Also called: MAX-Related Hereditary Paraganglioma-Pheochromocytoma Syndrome. Identifiers: Orphanet 29072, MedGen C0031511, MONDO:0008233, OMIM 171300, HP:0002666.
Pheochromocytoma/paraganglioma syndrome 4. Also called: PARAGANGLIOMA, FAMILIAL MALIGNANT; PARAGANGLIOMAS, HEREDITARY EXTRAADRENAL; PHEOCHROMOCYTOMA, FAMILIAL EXTRAADRENAL; SDHB-Related Hereditary Paraganglioma-Pheochromocytoma Syndrome (Paragangliomas 4); CAROTID BODY TUMORS AND MULTIPLE EXTRAADRENAL PHEOCHROMOCYTOMAS; SDHB-Related Hereditary Paraganglioma-Pheochromocytoma Syndrome. Identifiers: Orphanet 29072, MedGen C1861848, MONDO:0007273, OMIM 115310.
Gastrointestinal stromal tumor. Also called: Gastrointestinal stromal tumor, somatic; Gastrointestinal stroma tumor. Identifiers: Orphanet 44890, MedGen C0238198, MeSH D046152, MONDO:0011719, OMIM 606764, HP:0100723.

Allele frequency attached by ClinVar (database versions not stated): gnomAD exomes below 0.00001; ExAC 0.00001.
gnomAD v4.1: 1 of 1,613,214 alleles (0.000062%); highest among the groups gnomAD compares: East Asian, 0.0022%; no homozygotes.

Submission:

Labcorp Genetics (formerly Invitae), Labcorp
Classification: Uncertain significance for Gastrointestinal stromal tumor; Pheochromocytoma/paraganglioma syndrome 4; Pheochromocytoma. Last evaluated: 2018-07-08. Review status: criteria provided, single submitter. Criteria: Invitae Variant Classification Sherloc (09022015). Collection method: clinical testing. Allele origin: germline.
Comment: Algorithms developed to predict the effect of missense changes on protein structure and function (SIFT, PolyPhen-2, Align-GVGD) all suggest that this variant is likely to be tolerated, but these predictions have not been confirmed by published functional studies and their clinical significance is uncertain. In summary, the available evidence is currently insufficient to determine the role of this variant in disease. Therefore, it has been classified as a Variant of Uncertain Significance. This variant has not been reported in the literature in individuals with SDHB-related disease. This variant is present in population databases (rs749612417, ExAC 0.01%). This sequence change replaces methionine with valine at codon 269 of the SDHB protein (p.Met269Val). The methionine residue is moderately conserved and there is a small physicochemical difference between methionine and valine.

NM_003000.3(SDHB):c.805A>G (p.Met269Val)

Gene: SDHB (succinate dehydrogenase complex iron sulfur subunit B; minus strand). Cytogenetic location: 1p36.13.
Variant type: single nucleotide variant.
Coding change: c.805A>G on transcript NM_003000.3 (MANE Select); coding-DNA position 805, A replaced by G.
Protein change: p.Met269Val; replaces methionine 269 with valine.
Molecular consequence: missense variant.
Genome position (GRCh38, 1-based): chr1:17,018,919, T>C on the plus strand (A>G on the coding strand, the complement: SDHB is on the minus strand). VCF-style: chr1-17018919-T-C. GRCh37 (hg19) VCF-style: chr1-17345414-T-C.
Other names: short protein forms M269V.
Identifiers: ClinVar variation 640500 (VCV000640500.6), dbSNP rs749612417, ClinGen allele CA089771.